The following is an entry in ClinVar:

ClinVar aggregate classification (germline): Conflicting classifications of pathogenicity. Review status: criteria provided, conflicting classifications (1 of 4 stars). 5 submissions from 5 submitters: Uncertain significance (4); Likely benign (1). Last evaluated 2025-09-29.

Conditions:
Hereditary breast ovarian cancer syndrome. Also called: Hereditary breast and/or ovarian cancer syndrome; BRCA1- and BRCA2-Associated Hereditary Breast and Ovarian Cancer; Breast and ovarian cancer; Hereditary breast and ovarian cancer; Hereditary breast and ovarian cancer syndrome; Hereditary breast and ovarian cancer syndrome (HBOC). Identifiers: Orphanet 145, MedGen C0677776, MeSH D061325, MONDO:0003582. Disease mechanism: loss of function.
Hereditary cancer-predisposing syndrome. Also called: Hereditary neoplastic syndrome; Tumor predisposition; Hereditary Cancer Syndrome; Neoplastic Syndromes, Hereditary. Identifiers: Orphanet 140162, MedGen C0027672, MeSH D009386, MONDO:0015356.

Submissions (5):

Labcorp Genetics (formerly Invitae), Labcorp
Classification: Uncertain significance for Hereditary breast ovarian cancer syndrome. Last evaluated: 2025-09-29. Review status: criteria provided, single submitter. Criteria: Invitae Variant Classification Sherloc (09022015). Collection method: clinical testing. Allele origin: germline.
Comment: This sequence change replaces aspartic acid, which is acidic and polar, with valine, which is neutral and non-polar, at codon 685 of the BRCA2 protein (p.Asp685Val). This variant is not present in population databases (gnomAD no frequency). This missense change has been observed in individual(s) with clinical features of hereditary breast and ovarian cancer syndrome (PMID: 31954625, 36329109). ClinVar contains an entry for this variant (Variation ID: 491214). Invitae Evidence Modeling of protein sequence and biophysical properties (such as structural, functional, and spatial information, amino acid conservation, physicochemical variation, residue mobility, and thermodynamic stability) indicates that this missense variant is not expected to disrupt BRCA2 protein function with a negative predictive value of 95%. In summary, the available evidence is currently insufficient to determine the role of this variant in disease. Therefore, it has been classified as a Variant of Uncertain Significance.

University of Washington Department of Laboratory Medicine, University of Washington
Classification: Likely benign for Hereditary cancer-predisposing syndrome. Last evaluated: 2023-03-23. Review status: criteria provided, single submitter. Criteria: Dines et al. (Genet Med. 2020). Collection method: curation. Allele origin: germline.
Comment: Missense variant in a coldspot region where missense variants are very unlikely to be pathogenic (PMID:31911673).

BRCA2 exon 11 coldspot. Reclassification based on statistical prior probability.

Color Diagnostics, LLC DBA Color Health
Classification: Uncertain significance for Hereditary cancer-predisposing syndrome. Last evaluated: 2022-08-22. Review status: criteria provided, single submitter. Criteria: ACMG Guidelines, 2015. Collection method: clinical testing. Allele origin: germline.
Comment: This missense variant replaces aspartic acid with valine at codon 685 of the BRCA2 protein. Computational prediction is inconclusive regarding the impact of this variant on protein structure and function (internally defined REVEL score threshold 0.5 < inconclusive < 0.7, PMID: 27666373). To our knowledge, functional studies have not been reported for this variant. This variant has been reported in an individual with a personal or family history of breast and/or ovarian cancer (PMID: 31954625). This variant has not been identified in the general population by the Genome Aggregation Database (gnomAD). The available evidence is insufficient to determine the role of this variant in disease conclusively. Therefore, this variant is classified as a Variant of Uncertain Significance.

Mendelics
Classification: Uncertain significance. Last evaluated: 2022-05-04. Review status: criteria provided, single submitter. Criteria: Mendelics Assertion Criteria 2019. Collection method: clinical testing. Allele origin: germline.

Genetics Program, Instituto Nacional de Cancer
Classification: Uncertain significance for Hereditary breast ovarian cancer syndrome. Last evaluated: 2021-11-01. Review status: criteria provided, single submitter. Criteria: ACMG Guidelines, 2015. Collection method: research. Allele origin: germline. Affected: yes.

Literature cited by the submitters: PubMed 31954625 (cited by Labcorp Genetics (formerly Invitae), Labcorp and Color Diagnostics, LLC DBA Color Health); PubMed 36329109 (cited by Labcorp Genetics (formerly Invitae), Labcorp and Genetics Program, Instituto Nacional de Cancer).

NM_000059.4(BRCA2):c.2054A>T (p.Asp685Val)

Gene: BRCA2 (BRCA2 DNA repair associated; plus strand). Cytogenetic location: 13q13.1.
Variant type: single nucleotide variant.
Coding change: c.2054A>T on transcript NM_000059.4 (MANE Select); coding-DNA position 2054, A replaced by T.
Protein change: p.Asp685Val; replaces aspartic acid 685 with valine.
Molecular consequence: missense variant.
Genome position (GRCh38, 1-based): chr13:32,336,409, A>T. VCF-style: chr13-32336409-A-T. GRCh37 (hg19) VCF-style: chr13-32910546-A-T.
Other names: short protein forms D685V.
Identifiers: ClinVar variation 491214 (VCV000491214.40), dbSNP rs1555282420, ClinGen allele CA387768987.